The following is an entry in ClinVar:

ClinVar aggregate classification (germline): Uncertain significance (1 of 4 stars; one submission).

Conditions:
Inborn genetic diseases. Identifiers: MedGen C0950123, MeSH D030342.

Submission:

Ambry Genetics
Classification: Uncertain significance for Inborn genetic diseases. Last evaluated: 2025-10-06. Review status: criteria provided, single submitter. Criteria: Ambry Variant Classification Scheme 2023. Collection method: clinical testing. Allele origin: germline.
Comment: The p.Q94K variant (also known as c.280C>A), located in coding exon 3 of the SBDS gene, results from a C to A substitution at nucleotide position 280. The glutamine at codon 94 is replaced by lysine, an amino acid with similar properties. This amino acid position is conserved. In addition, this alteration is predicted to be deleterious by in silico analysis. Based on the available evidence, the clinical significance of this variant remains unclear.

NM_016038.4(SBDS):c.280C>A (p.Gln94Lys)

Gene: SBDS (SBDS ribosome maturation factor; minus strand). Cytogenetic location: 7q11.21.
Variant type: single nucleotide variant.
Coding change: c.280C>A on transcript NM_016038.4 (MANE Select); coding-DNA position 280, C replaced by A.
Protein change: p.Gln94Lys; replaces glutamine 94 with lysine.
Molecular consequence: missense variant.
Genome position (GRCh38, 1-based): chr7:66,993,396, G>T on the plus strand (C>A on the coding strand, the complement: SBDS is on the minus strand). VCF-style: chr7-66993396-G-T. GRCh37 (hg19) VCF-style: chr7-66458383-G-T.
Other names: short protein forms Q94K.
Identifiers: ClinVar variation 4630221 (VCV004630221.1).